The following is an entry in ClinVar:

ClinVar aggregate classification (germline): Benign (1 of 4 stars; one submission).

Allele frequency attached by ClinVar (database versions not stated): ESP Exome Variant Server 0.00025; ExAC 0.00038; gnomAD 0.00038; gnomAD exomes 0.00040; TOPMed 0.00045.
gnomAD v4.1: 673 of 1,611,010 alleles (0.042%); highest among the groups gnomAD compares: Middle Eastern, 0.45%; 1 homozygote.

Submission:

CeGaT Center for Human Genetics Tuebingen
Classification: Benign. Last evaluated: 2022-09-01. Review status: criteria provided, single submitter. Criteria: CeGaT Center For Human Genetics Tuebingen Variant Classification Criteria Version 2. Collection method: clinical testing. Allele origin: germline. Affected: yes. Observed: 1 variant allele.
Comment: CSMD1: BS1, BS2

NM_033225.6(CSMD1):c.2343T>C (p.Ser781=)

Gene: CSMD1 (CUB and Sushi multiple domains 1; minus strand). Cytogenetic location: 8p23.2.
Variant type: single nucleotide variant.
Coding change: c.2343T>C on transcript NM_033225.6 (MANE Select); coding-DNA position 2343, T replaced by C.
Protein change: p.Ser781=; no amino-acid change (serine 781 retained).
Molecular consequence: synonymous variant.
Genome position (GRCh38, 1-based): chr8:3,399,453, A>G on the plus strand (T>C on the coding strand, the complement: CSMD1 is on the minus strand). VCF-style: chr8-3399453-A-G. GRCh37 (hg19) VCF-style: chr8-3256975-A-G.
Identifiers: ClinVar variation 2658343 (VCV002658343.24), dbSNP rs199708460, ClinGen allele CA4608406.